The following is an entry in ClinVar:

NM_001018111.3(PODXL):c.584C>T (p.Thr195Met)

Gene: PODXL (podocalyxin like; minus strand). Cytogenetic location: 7q32.3.
Variant type: single nucleotide variant.
Coding change: c.584C>T on transcript NM_001018111.3 (MANE Select); coding-DNA position 584, C replaced by T.
Protein change: p.Thr195Met; replaces threonine 195 with methionine.
Molecular consequence: missense variant.
Genome position (GRCh38, 1-based): chr7:131,510,950, G>A on the plus strand (C>T on the coding strand, the complement: PODXL is on the minus strand). VCF-style: chr7-131510950-G-A. GRCh37 (hg19) VCF-style: chr7-131195709-G-A.
Other names: c.584C>T, p.Thr195Met (NM_005397.4); c.584C>T (NM_005397.3); short protein forms T195M.
Identifiers: ClinVar variation 2186383 (VCV002186383.5), dbSNP rs201547862, ClinGen allele CA4488670.

ClinVar aggregate classification (germline): Benign/Likely benign. Review status: criteria provided, multiple submitters, no conflicts (2 of 4 stars). 2 submissions from 2 submitters: Benign (1); Likely benign (1). Last evaluated 2026-02-10.

Conditions:
PODXL-related disorder. Also called: PODXL-related condition.

Allele frequency attached by ClinVar (database versions not stated): gnomAD exomes 0.00010; gnomAD 0.00025; TOPMed 0.00027; ExAC 0.00030; 1000 Genomes Project 0.00040; 1000 Genomes Project 30x 0.00047.
gnomAD v4.1: 205 of 1,614,144 alleles (0.013%); highest among the groups gnomAD compares: East Asian, 0.24%; no homozygotes.

Submissions (2):

PreventionGenetics, part of Exact Sciences
Classification: Likely benign for PODXL-related condition. Last evaluated: 2026-02-10. Review status: criteria provided, single submitter. Criteria: ACMG Guidelines, 2015. Collection method: clinical testing. Allele origin: germline.
Comment: This variant is classified as likely benign based on ACMG/AMP sequence variant interpretation guidelines (Richards et al. 2015 PMID: 25741868, with internal and published modifications).

Labcorp Genetics (formerly Invitae), Labcorp
Classification: Benign. Last evaluated: 2025-10-14. Review status: criteria provided, single submitter. Criteria: Invitae Variant Classification Sherloc (09022015). Collection method: clinical testing. Allele origin: germline.